The following is an entry in ClinVar:

ClinVar aggregate classification (germline): Uncertain significance (1 of 4 stars; one submission).

Conditions:
Spastic paraplegia. Identifiers: MedGen C0037772, HP:0001258.

Submission:

Labcorp Genetics (formerly Invitae), Labcorp
Classification: Uncertain significance for Spastic paraplegia. Last evaluated: 2021-06-29. Review status: criteria provided, single submitter. Criteria: Invitae Variant Classification Sherloc (09022015). Collection method: clinical testing. Allele origin: germline.
Comment: This sequence change replaces methionine with isoleucine at codon 645 of the ZFYVE26 protein (p.Met645Ile). The methionine residue is weakly conserved and there is a small physicochemical difference between methionine and isoleucine. This variant is not present in population databases (ExAC no frequency). This variant has not been reported in the literature in individuals affected with ZFYVE26-related conditions. Algorithms developed to predict the effect of missense changes on protein structure and function output the following: SIFT: "Tolerated"; PolyPhen-2: "Benign"; Align-GVGD: "Class C0". The isoleucine amino acid residue is found in multiple mammalian species, which suggests that this missense change does not adversely affect protein function. In summary, the available evidence is currently insufficient to determine the role of this variant in disease. Therefore, it has been classified as a Variant of Uncertain Significance.

NM_015346.4(ZFYVE26):c.1935G>A (p.Met645Ile)

Gene: ZFYVE26 (zinc finger FYVE-type containing 26; minus strand). Cytogenetic location: 14q24.1.
Variant type: single nucleotide variant.
Coding change: c.1935G>A on transcript NM_015346.4 (MANE Select); coding-DNA position 1935, G replaced by A.
Protein change: p.Met645Ile; replaces methionine 645 with isoleucine.
Molecular consequence: missense variant.
Genome position (GRCh38, 1-based): chr14:67,798,327, C>T on the plus strand (G>A on the coding strand, the complement: ZFYVE26 is on the minus strand). VCF-style: chr14-67798327-C-T. GRCh37 (hg19) VCF-style: chr14-68265044-C-T.
Other names: short protein forms M645I.
Identifiers: ClinVar variation 1516480 (VCV001516480.8), dbSNP rs2140243059, ClinGen allele CA390175552.
Genomic context (GRCh38, chr14:67,798,327, plus strand): 5'-AAAGCTGTGCCTATGAGGCCCTGGGTAACTGTCTTTTGGCTCTGCCTTCACATGGCTTGG[C>T]ATTGTATAAGCAAGGGTCTTTGGGACTCCCAGGGAACCCCGTTCTGACTTCCTTTCAGGA-3'
Protein context (NP_056161.2, residues 635-655): LGVPKTLAYT[Met645Ile]PSHVKAEPKD